The following is an entry in ClinVar:

NC_000006.11:g.(?_97338980)_(97345677_?)del

Gene: NDUFAF4 (NADH:ubiquinone oxidoreductase complex assembly factor 4; minus strand). Cytogenetic location: 6q16.1.
Variant type: Deletion.
Identifiers: ClinVar variation 1375611 (VCV001375611.5).

ClinVar aggregate classification (germline): Uncertain significance (1 of 4 stars; one submission).

Submission:

Labcorp Genetics (formerly Invitae), Labcorp
Classification: Uncertain significance. Last evaluated: 2022-06-20. Review status: criteria provided, single submitter. Criteria: Invitae Variant Classification Sherloc (09022015). Collection method: clinical testing. Allele origin: germline.
Comment: In summary, the available evidence is currently insufficient to determine the role of this variant in disease. Therefore, it has been classified as a Variant of Uncertain Significance. This variant has not been reported in the literature in individuals affected with NDUFAF4-related conditions. A gross deletion of the genomic region encompassing the full coding sequence of the NDUFAF4 gene has been identified. The current clinical and genetic evidence is not sufficient to establish whether loss-of-function variants in NDUFAF4 cause disease. The boundaries of this event are unknown as they extend beyond the assayed region for this gene and therefore may encompass additional genes.